The following is an entry in ClinVar:

NM_001080449.3(DNA2):c.1939G>A (p.Val647Met)

Gene: DNA2 (DNA replication helicase/nuclease 2; minus strand). Cytogenetic location: 10q21.3.
Variant type: single nucleotide variant.
Coding change: c.1939G>A on transcript NM_001080449.3 (MANE Select); coding-DNA position 1939, G replaced by A.
Protein change: p.Val647Met; replaces valine 647 with methionine.
Molecular consequence: missense variant. On other transcripts: non-coding transcript variant (1).
Genome position (GRCh38, 1-based): chr10:68,431,906, C>T on the plus strand (G>A on the coding strand, the complement: DNA2 is on the minus strand). VCF-style: chr10-68431906-C-T. GRCh37 (hg19) VCF-style: chr10-70191663-C-T.
Other names: short protein forms V647M.
Identifiers: ClinVar variation 419061 (VCV000419061.10), dbSNP rs1064793617, ClinGen allele CA16618969.

ClinVar aggregate classification (germline): Uncertain significance. Review status: criteria provided, multiple submitters, no conflicts (2 of 4 stars). 4 submissions from 4 submitters: Uncertain significance (4). Last evaluated 2025-11-20.

Conditions:
DNA2-related disorder. Also called: DNA2-related condition.
Inborn genetic diseases. Identifiers: MedGen C0950123, MeSH D030342.

Allele frequency attached by ClinVar (database versions not stated): gnomAD exomes 0.00002; TOPMed 0.00003; gnomAD 0.00004.

Submissions (4):

PreventionGenetics, part of Exact Sciences
Classification: Uncertain significance for DNA2-related condition. Last evaluated: 2025-11-20. Review status: criteria provided, single submitter. Criteria: ACMG Guidelines, 2015. Collection method: clinical testing. Allele origin: germline.
Comment: The DNA2 c.1939G>A variant is predicted to result in the amino acid substitution p.Val647Met. To our knowledge, this variant has not been reported in the literature. This variant is reported in 0.0065% of alleles in individuals of South Asian descent in gnomAD. At this time, the clinical significance of this variant is uncertain due to the absence of conclusive functional and genetic evidence.

Ambry Genetics
Classification: Uncertain significance for Inborn genetic diseases. Last evaluated: 2025-08-30. Review status: criteria provided, single submitter. Criteria: Ambry Variant Classification Scheme 2023. Collection method: clinical testing. Allele origin: germline.

Labcorp Genetics (formerly Invitae), Labcorp
Classification: Uncertain significance. Last evaluated: 2021-08-28. Review status: criteria provided, single submitter. Criteria: Invitae Variant Classification Sherloc (09022015). Collection method: clinical testing. Allele origin: germline.
Comment: In summary, the available evidence is currently insufficient to determine the role of this variant in disease. Therefore, it has been classified as a Variant of Uncertain Significance. Algorithms developed to predict the effect of missense changes on protein structure and function are either unavailable or do not agree on the potential impact of this missense change (SIFT: "Tolerated"; PolyPhen-2: "Probably Damaging"; Align-GVGD: "Class C0"). ClinVar contains an entry for this variant (Variation ID: 419061). This variant has not been reported in the literature in individuals affected with DNA2-related conditions. This variant is not present in population databases (ExAC no frequency). This sequence change replaces valine with methionine at codon 647 of the DNA2 protein (p.Val647Met). The valine residue is moderately conserved and there is a small physicochemical difference between valine and methionine.

GeneDx
Classification: Uncertain significance. Last evaluated: 2021-01-07. Review status: criteria provided, single submitter. Criteria: GeneDx Variant Classification Process June 2021. Collection method: clinical testing. Allele origin: germline. Affected: yes.
Comment: In silico analysis supports that this missense variant does not alter protein structure/function; Has not been previously published as pathogenic or benign to our knowledge